The following is an entry in ClinVar:

ClinVar aggregate classification (germline): Uncertain significance (1 of 4 stars; one submission).

Allele frequency attached by ClinVar (database versions not stated): TOPMed below 0.00001; gnomAD 0.00001.

Submission:

Labcorp Genetics (formerly Invitae), Labcorp
Classification: Uncertain significance. Last evaluated: 2021-04-16. Review status: criteria provided, single submitter. Criteria: Invitae Variant Classification Sherloc (09022015). Collection method: clinical testing. Allele origin: germline.
Comment: This variant has not been reported in the literature in individuals with ITGAM-related conditions. This variant is not present in population databases (ExAC no frequency). This sequence change replaces isoleucine with threonine at codon 151 of the ITGAM protein (p.Ile151Thr). The isoleucine residue is highly conserved and there is a moderate physicochemical difference between isoleucine and threonine. Algorithms developed to predict the effect of missense changes on protein structure and function (SIFT, PolyPhen-2, Align-GVGD) all suggest that this variant is likely to be disruptive, but these predictions have not been confirmed by published functional studies and their clinical significance is uncertain. In summary, the available evidence is currently insufficient to determine the role of this variant in disease. Therefore, it has been classified as a Variant of Uncertain Significance.

NM_000632.4(ITGAM):c.452T>C (p.Ile151Thr)

Gene: ITGAM (integrin subunit alpha M; plus strand). Cytogenetic location: 16p11.2.
Variant type: single nucleotide variant.
Coding change: c.452T>C on transcript NM_000632.4 (MANE Select); coding-DNA position 452, T replaced by C.
Protein change: p.Ile151Thr; replaces isoleucine 151 with threonine.
Molecular consequence: missense variant.
Genome position (GRCh38, 1-based): chr16:31,270,978, T>C. VCF-style: chr16-31270978-T-C. GRCh37 (hg19) VCF-style: chr16-31282299-T-C.
Other names: c.452T>C, p.Ile151Thr (NM_001145808.2); short protein forms I151T.
Identifiers: ClinVar variation 1346021 (VCV001346021.8), dbSNP rs1183496799, ClinGen allele CA395688844.